The following is an entry in ClinVar:

ClinVar aggregate classification (germline): Uncertain significance (1 of 4 stars; one submission).

Conditions:
Hereditary cancer-predisposing syndrome. Also called: Neoplastic Syndromes, Hereditary; Tumor predisposition; Hereditary Cancer Syndrome; Hereditary neoplastic syndrome. Identifiers: Orphanet 140162, MedGen C0027672, MeSH D009386, MONDO:0015356.

gnomAD v4.1: 3 of 1,613,900 alleles (0.00019%); highest among the groups gnomAD compares: African/African-American, 0.0013%; no homozygotes.

Submission:

Ambry Genetics
Classification: Uncertain significance for Hereditary cancer-predisposing syndrome. Last evaluated: 2024-09-10. Review status: criteria provided, single submitter. Criteria: Ambry Variant Classification Scheme 2023. Collection method: clinical testing. Allele origin: germline.
Comment: The c.946-3T>C intronic variant results from a T to C substitution 3 nucleotides upstream from coding exon 7 in the PTCH1 gene. This nucleotide position is not well conserved in available vertebrate species. In silico splice site analysis predicts that this alteration will not have any significant effect on splicing. Based on the available evidence, the clinical significance of this variant remains unclear.

NM_000264.5(PTCH1):c.946-3T>C

Gene: PTCH1 (patched 1; minus strand). Cytogenetic location: 9q22.32.
Variant type: single nucleotide variant.
Coding change: c.946-3T>C on transcript NM_000264.5 (MANE Select); 3 bases into the intron before coding-DNA position 946, T replaced by C.
Molecular consequence: intron variant.
Genome position (GRCh38, 1-based): chr9:95,480,093, A>G on the plus strand (T>C on the coding strand, the complement: PTCH1 is on the minus strand). VCF-style: chr9-95480093-A-G. GRCh37 (hg19) VCF-style: chr9-98242375-A-G.
Other names: c.943-3T>C (NM_001083603.3); c.748-3T>C (NM_001083602.3); c.946-3T>C (NM_001354918.2); c.493-3T>C (NM_001083605.3, NM_001083604.3, NM_001083606.3 and 1 more transcripts).
Identifiers: ClinVar variation 3427208 (VCV003427208.1).